The following is an entry in ClinVar:

ClinVar aggregate classification (germline): Uncertain significance (1 of 4 stars; one submission).

Conditions:
Hereditary sensory and autonomic neuropathy type 1 (HSAN1). Also called: HSAN 1; HSN Type I; Hereditary Sensory Neuropathy Type I. Identifiers: Orphanet 36386, MedGen C0020071, MONDO:0018213.

Submission:

Labcorp Genetics (formerly Invitae), Labcorp
Classification: Uncertain significance for Hereditary sensory and autonomic neuropathy type 1. Last evaluated: 2024-02-01. Review status: criteria provided, single submitter. Criteria: Invitae Variant Classification Sherloc (09022015). Collection method: clinical testing. Allele origin: germline.
Comment: This sequence change creates a premature translational stop signal (p.Val94Glyfs*13) in the SPTLC1 gene. It is expected to result in an absent or disrupted protein product. However, the current clinical and genetic evidence is not sufficient to establish whether loss-of-function variants in SPTLC1 cause disease. This variant is present in population databases (rs781260350, gnomAD 0.0009%). This variant has not been reported in the literature in individuals affected with SPTLC1-related conditions. In summary, the available evidence is currently insufficient to determine the role of this variant in disease. Therefore, it has been classified as a Variant of Uncertain Significance.

NM_006415.4(SPTLC1):c.281_282del (p.Val94fs)

Gene: SPTLC1 (serine palmitoyltransferase long chain base subunit 1; minus strand). Cytogenetic location: 9q22.31.
Variant type: Microsatellite.
Coding change: c.281_282del on transcript NM_006415.4 (MANE Select); coding-DNA positions 281 to 282, 2 bases deleted (TG; older notation c.281_282delTG).
Protein change: p.Val94fs; shifts the reading frame from valine 94.
Molecular consequence: frameshift variant. On other transcripts: 5 prime UTR variant (2).
Genome position (GRCh38, 1-based): chr9:92,080,942-92,080,943, CA deleted on the plus strand (TG on the coding strand, the reverse complement: SPTLC1 is on the minus strand); deleting any 2 consecutive bases within chr9:92,080,942-92,080,945 gives the same sequence; the c. name uses the placement nearest the transcript's 3' end. VCF-style (leftmost placement, unchanged base first): chr9-92080941-CCA-C. GRCh37 (hg19) VCF-style: chr9-94843223-CCA-C.
Other names: c.281_282del, p.Val94fs (NM_001281303.2, NM_178324.3); c.-221TG[1] (NM_001368272.1); c.-187TG[1] (NM_001368273.1); short protein forms V94fs.
Identifiers: ClinVar variation 3730513 (VCV003730513.2).